The following is an entry in ClinVar:

NM_000070.2(CAPN3):c.-408T>C

Gene: CAPN3 (calpain 3; plus strand). Cytogenetic location: 15q15.1.
Variant type: single nucleotide variant.
Coding change: c.-408T>C on transcript NM_000070.2; 408 bases upstream of the start codon, T replaced by C.
Genome position (GRCh38, 1-based): chr15:42,359,398, T>C. VCF-style: chr15-42359398-T-C. GRCh37 (hg19) VCF-style: chr15-42651596-T-C.
Identifiers: ClinVar variation 679854 (VCV000679854.3), dbSNP rs16973174, ClinGen allele CA15862140.

ClinVar aggregate classification (germline): Benign (1 of 4 stars; one submission).

Allele frequency attached by ClinVar (database versions not stated): gnomAD 0.09025; gnomAD exomes 0.08136; TOPMed 0.08831; 1000 Genomes Project 0.09445; 1000 Genomes Project 30x 0.09635.

Submission:

GeneDx
Classification: Benign. Last evaluated: 2018-06-14. Review status: criteria provided, single submitter. Criteria: GeneDx Variant Classification (06012015). Collection method: clinical testing. Allele origin: germline. Affected: yes.
Comment: This variant is considered likely benign or benign based on one or more of the following criteria: it is a conservative change, it occurs at a poorly conserved position in the protein, it is predicted to be benign by multiple in silico algorithms, and/or has population frequency not consistent with disease.